The following is an entry in ClinVar:

ClinVar aggregate classification (germline): Uncertain significance. Review status: criteria provided, multiple submitters, no conflicts (2 of 4 stars). 3 submissions from 3 submitters: Uncertain significance (3). Last evaluated 2025-10-21.

Conditions:
Cardiomyopathy (CMYO). Also called: Cardiomyopathies. Identifiers: Orphanet 167848, MedGen C0878544, MONDO:0004994, HP:0001638. Inheritance: Various modes of inheritance.
Dilated cardiomyopathy 1JJ (CMD1JJ). Identifiers: Orphanet 154, MedGen C3808935, MONDO:0014095, OMIM 615235.
Cardiovascular phenotype. Identifiers: MedGen CN230736.

Allele frequency attached by ClinVar (database versions not stated): ExAC 0.00001; gnomAD exomes 0.00002.
gnomAD v4.1: 33 of 1,613,426 alleles (0.002%); highest among the groups gnomAD compares: South Asian, 0.015%; 1 homozygote.

Submissions (3):

Labcorp Genetics (formerly Invitae), Labcorp
Classification: Uncertain significance for Dilated cardiomyopathy 1JJ. Last evaluated: 2025-10-21. Review status: criteria provided, single submitter. Criteria: Invitae Variant Classification Sherloc (09022015). Collection method: clinical testing. Allele origin: germline.
Comment: This sequence change replaces glutamic acid, which is acidic and polar, with lysine, which is basic and polar, at codon 496 of the LAMA4 protein (p.Glu496Lys). This variant is present in population databases (rs782568868, gnomAD 0.02%). This variant has not been reported in the literature in individuals affected with LAMA4-related conditions. ClinVar contains an entry for this variant (Variation ID: 626732). Invitae Evidence Modeling of protein sequence and biophysical properties (such as structural, functional, and spatial information, amino acid conservation, physicochemical variation, residue mobility, and thermodynamic stability) indicates that this missense variant is not expected to disrupt LAMA4 protein function with a negative predictive value of 80%. In summary, the available evidence is currently insufficient to determine the role of this variant in disease. Therefore, it has been classified as a Variant of Uncertain Significance.

Ambry Genetics
Classification: Uncertain significance for Cardiovascular phenotype. Last evaluated: 2024-05-11. Review status: criteria provided, single submitter. Criteria: Ambry Variant Classification Scheme 2023. Collection method: clinical testing. Allele origin: germline.
Comment: The p.E496K variant (also known as c.1486G>A), located in coding exon 11 of the LAMA4 gene, results from a G to A substitution at nucleotide position 1486. The glutamic acid at codon 496 is replaced by lysine, an amino acid with similar properties. This amino acid position is conserved. In addition, the in silico prediction for this alteration is inconclusive. Based on the available evidence, the clinical significance of this variant remains unclear.

CHEO Genetics Diagnostic Laboratory, Children's Hospital of Eastern Ontario
Classification: Uncertain significance for Cardiomyopathy. Last evaluated: 2016-02-25. Review status: criteria provided, single submitter. Criteria: ACMG Guidelines, 2015. Collection method: clinical testing. Allele origin: germline. Study: Canadian Open Genetics Repository.

NM_001105206.3(LAMA4):c.1507G>A (p.Glu503Lys)

Gene: LAMA4 (laminin subunit alpha 4; minus strand). Cytogenetic location: 6q21.
Variant type: single nucleotide variant.
Coding change: c.1507G>A on transcript NM_001105206.3 (MANE Select); coding-DNA position 1507, G replaced by A.
Protein change: p.Glu503Lys; replaces glutamic acid 503 with lysine.
Molecular consequence: missense variant.
Genome position (GRCh38, 1-based): chr6:112,172,655, C>T on the plus strand (G>A on the coding strand, the complement: LAMA4 is on the minus strand). VCF-style: chr6-112172655-C-T. GRCh37 (hg19) VCF-style: chr6-112493857-C-T.
Other names: c.1486G>A (NM_002290.3); c.1486G>A, p.Glu496Lys (NM_001105207.3, NM_002290.5); short protein forms E496K, E503K.
Identifiers: ClinVar variation 626732 (VCV000626732.4), dbSNP rs782568868, ClinGen allele CA3965763.